The following is an entry in ClinVar:

ClinVar aggregate classification (germline): Likely benign. Review status: criteria provided, multiple submitters, no conflicts (2 of 4 stars). 2 submissions from 2 submitters: Likely benign (2). Last evaluated 2026-09-03.

Conditions:
PRR12-related disorder. Also called: PRR12-related condition.
Inborn genetic diseases. Identifiers: MedGen C0950123, MeSH D030342.

Allele frequency attached by ClinVar (database versions not stated): gnomAD 0.00011; gnomAD exomes 0.00017.
gnomAD v4.1: 245 of 1,504,482 alleles (0.016%); highest among the groups gnomAD compares: Non-Finnish European, 0.021%; no homozygotes.

Submissions (2):

PreventionGenetics, part of Exact Sciences
Classification: Likely benign for PRR12-related condition. Last evaluated: 2026-09-03. Review status: criteria provided, single submitter. Criteria: ACMG Guidelines, 2015. Collection method: clinical testing. Allele origin: germline.
Comment: This variant is classified as likely benign based on ACMG/AMP sequence variant interpretation guidelines (Richards et al. 2015 PMID: 25741868, with internal and published modifications).

Ambry Genetics
Classification: Likely benign for Inborn genetic diseases. Last evaluated: 2023-03-20. Review status: criteria provided, single submitter. Criteria: Ambry Variant Classification Scheme 2023. Collection method: clinical testing. Allele origin: germline.

NM_020719.3(PRR12):c.4441G>T (p.Ala1481Ser)

Gene: PRR12 (proline rich 12; plus strand). Cytogenetic location: 19q13.33.
Variant type: single nucleotide variant.
Coding change: c.4441G>T on transcript NM_020719.3 (MANE Select); coding-DNA position 4441, G replaced by T.
Protein change: p.Ala1481Ser; replaces alanine 1481 with serine.
Molecular consequence: missense variant.
Genome position (GRCh38, 1-based): chr19:49,601,586, G>T. VCF-style: chr19-49601586-G-T. GRCh37 (hg19) VCF-style: chr19-50104843-G-T.
Other names: c.4441G>T (NM_020719.2); short protein forms A1481S.
Identifiers: ClinVar variation 2569709 (VCV002569709.3), dbSNP rs775645258, ClinGen allele CA9578485.